The following is an entry in ClinVar:

NM_020297.4(ABCC9):c.3073A>G (p.Asn1025Asp)

Gene: ABCC9 (ATP binding cassette subfamily C member 9; minus strand). Cytogenetic location: 12p12.1.
Variant type: single nucleotide variant.
Coding change: c.3073A>G on transcript NM_020297.4 (MANE Select); coding-DNA position 3073, A replaced by G.
Protein change: p.Asn1025Asp; replaces asparagine 1025 with aspartic acid.
Molecular consequence: missense variant.
Genome position (GRCh38, 1-based): chr12:21,845,626, T>C on the plus strand (A>G on the coding strand, the complement: ABCC9 is on the minus strand). VCF-style: chr12-21845626-T-C. GRCh37 (hg19) VCF-style: chr12-21998560-T-C.
Other names: c.3073A>G, p.Asn1025Asp (NM_001377273.1, NM_005691.4); c.2206A>G, p.Asn736Asp (NM_001377274.1); short protein forms N1025D, N736D.
Identifiers: ClinVar variation 1027264 (VCV001027264.11), dbSNP rs372020861, ClinGen allele CA233595074.

ClinVar aggregate classification (germline): Uncertain significance. Review status: criteria provided, multiple submitters, no conflicts (2 of 4 stars). 2 submissions from 2 submitters: Uncertain significance (2). Last evaluated 2025-06-20.

Conditions:
Cardiovascular phenotype. Identifiers: MedGen CN230736.
Dilated cardiomyopathy 1O (CMD1O). Also called: CARDIOMYOPATHY, DILATED, WITH VENTRICULAR TACHYCARDIA. Identifiers: Orphanet 154, MedGen C1837839, MONDO:0012062, OMIM 608569.

Allele frequency attached by ClinVar (database versions not stated): gnomAD exomes below 0.00001 and 0.00002; gnomAD 0.00001; TOPMed 0.00001; ESP Exome Variant Server 0.00008.
gnomAD v4.1: 26 of 1,613,382 alleles (0.0016%); highest among the groups gnomAD compares: Non-Finnish European, 0.0021%; no homozygotes.

Submissions (2):

Ambry Genetics
Classification: Uncertain significance for Cardiovascular phenotype. Last evaluated: 2025-06-20. Review status: criteria provided, single submitter. Criteria: Ambry Variant Classification Scheme 2023. Collection method: clinical testing. Allele origin: germline.
Comment: The p.N1025D variant (also known as c.3073A>G), located in coding exon 24 of the ABCC9 gene, results from an A to G substitution at nucleotide position 3073. The asparagine at codon 1025 is replaced by aspartic acid, an amino acid with highly similar properties. This amino acid position is not well conserved in available vertebrate species. In addition, this alteration is predicted to be tolerated by in silico analysis. Since supporting evidence is limited at this time, the clinical significance of this alteration remains unclear.

Labcorp Genetics (formerly Invitae), Labcorp
Classification: Uncertain significance for Dilated cardiomyopathy 1O. Last evaluated: 2025-05-06. Review status: criteria provided, single submitter. Criteria: Invitae Variant Classification Sherloc (09022015). Collection method: clinical testing. Allele origin: germline.
Comment: This sequence change replaces asparagine, which is neutral and polar, with aspartic acid, which is acidic and polar, at codon 1025 of the ABCC9 protein (p.Asn1025Asp). This variant is present in population databases (rs372020861, gnomAD 0.0009%). This variant has not been reported in the literature in individuals affected with ABCC9-related conditions. ClinVar contains an entry for this variant (Variation ID: 1027264). Invitae Evidence Modeling of protein sequence and biophysical properties (such as structural, functional, and spatial information, amino acid conservation, physicochemical variation, residue mobility, and thermodynamic stability) indicates that this missense variant is not expected to disrupt ABCC9 protein function with a negative predictive value of 95%. In summary, the available evidence is currently insufficient to determine the role of this variant in disease. Therefore, it has been classified as a Variant of Uncertain Significance.